The following is an entry in ClinVar:

ClinVar aggregate classification (germline): Uncertain significance (1 of 4 stars; one submission).

Conditions:
Diamond-Blackfan anemia. Also called: Blackfan Diamond syndrome; Aregenerative anemia chronic congenital; Red cell aplasia, pure hereditary; Congenital hypoplastic anemia; Aase syndrome. Identifiers: Orphanet 124, MedGen C1260899, MeSH D029503, MONDO:0015253, HP:0004810.

Submission:

St. Jude Molecular Pathology, St. Jude Children's Research Hospital
Classification: Uncertain significance for Diamond-Blackfan anemia. Last evaluated: 2025-06-17. Review status: criteria provided, single submitter. Criteria: St. Jude Assertion Criteria 2020. Collection method: clinical testing. Allele origin: germline.
Comment: The RPL4 c.649A>C (p.Ile217Leu) missense change is absent in gnomAD v2.1.1. The in silico tool REVEL predicts a benign effect on protein function, but to our knowledge this prediction has not been confirmed by functional studies. To our knowledge, this variant has not been reported in the literature in individuals with RPL4-associated Diamond-Blackfan anemia. In summary, the evidence currently available is insufficient to determine the clinical significance of this variant. It has therefore been classified as of uncertain significance.

NM_000968.4(RPL4):c.649A>C (p.Ile217Leu)

Genes: RPL4 (ribosomal protein L4; minus strand), LOC126862157 (CDK7 strongly-dependent group 2 enhancer GRCh37_chr15:66792902-66794101; plus strand). Cytogenetic location: 15q22.31.
Variant type: single nucleotide variant.
Coding change: c.649A>C on transcript NM_000968.4 (MANE Select); coding-DNA position 649, A replaced by C.
Protein change: p.Ile217Leu; replaces isoleucine 217 with leucine.
Molecular consequence: missense variant.
Genome position (GRCh38, 1-based): chr15:66,501,402, T>G on the plus strand (A>C on the coding strand, the complement: RPL4 is on the minus strand). VCF-style: chr15-66501402-T-G. GRCh37 (hg19) VCF-style: chr15-66793740-T-G.
Other names: short protein forms I217L.
Identifiers: ClinVar variation 4056133 (VCV004056133.2).